The following is an entry in ClinVar:

NM_017986.4(SLC52A1):c.987C>G (p.Phe329Leu)

Gene: SLC52A1 (solute carrier family 52 member 1; minus strand). Cytogenetic location: 17p13.2.
Variant type: single nucleotide variant.
Coding change: c.987C>G on transcript NM_017986.4 (MANE Select); coding-DNA position 987, C replaced by G.
Protein change: p.Phe329Leu; replaces phenylalanine 329 with leucine.
Molecular consequence: missense variant.
Genome position (GRCh38, 1-based): chr17:5,033,502, G>C on the plus strand (C>G on the coding strand, the complement: SLC52A1 is on the minus strand). VCF-style: chr17-5033502-G-C. GRCh37 (hg19) VCF-style: chr17-4936797-G-C.
Other names: c.987C>G, p.Phe329Leu (NM_001104577.2); short protein forms F329L.
Identifiers: ClinVar variation 2109357 (VCV002109357.4), dbSNP rs1975370391, ClinGen allele CA397327042.

ClinVar aggregate classification (germline): Uncertain significance (1 of 4 stars; one submission).

Conditions:
Vitamin B2 deficiency. Identifiers: MedGen C0035528.

Allele frequency attached by ClinVar (database versions not stated): gnomAD exomes below 0.00001.

Submission:

Labcorp Genetics (formerly Invitae), Labcorp
Classification: Uncertain significance for Vitamin B2 deficiency. Last evaluated: 2022-04-09. Review status: criteria provided, single submitter. Criteria: Invitae Variant Classification Sherloc (09022015). Collection method: clinical testing. Allele origin: germline.
Comment: In summary, the available evidence is currently insufficient to determine the role of this variant in disease. Therefore, it has been classified as a Variant of Uncertain Significance. Algorithms developed to predict the effect of missense changes on protein structure and function are either unavailable or do not agree on the potential impact of this missense change (SIFT: "Deleterious"; PolyPhen-2: "Probably Damaging"; Align-GVGD: "Class C15"). This variant has not been reported in the literature in individuals affected with SLC52A1-related conditions. This sequence change replaces phenylalanine, which is neutral and non-polar, with leucine, which is neutral and non-polar, at codon 329 of the SLC52A1 protein (p.Phe329Leu). This variant is not present in population databases (gnomAD no frequency).